The following is an entry in ClinVar:

ClinVar aggregate classification (germline): Likely benign (1 of 4 stars; one submission).

Submission:

CeGaT Center for Human Genetics Tuebingen
Classification: Likely benign. Last evaluated: 2025-01-01. Review status: criteria provided, single submitter. Criteria: CeGaT Center For Human Genetics Tuebingen Variant Classification Criteria Version 2. Collection method: clinical testing. Allele origin: germline. Affected: yes. Observed: 2 variant alleles.
Comment: GLDC: BP4, BP7

NM_000170.3(GLDC):c.1200T>G (p.Gly400=)

Gene: GLDC (glycine decarboxylase; minus strand). Cytogenetic location: 9p24.1.
Variant type: single nucleotide variant.
Coding change: c.1200T>G on transcript NM_000170.3 (MANE Select); coding-DNA position 1200, T replaced by G.
Protein change: p.Gly400=; no amino-acid change (glycine 400 retained).
Molecular consequence: synonymous variant.
Genome position (GRCh38, 1-based): chr9:6,595,075, A>C on the plus strand (T>G on the coding strand, the complement: GLDC is on the minus strand). VCF-style: chr9-6595075-A-C. GRCh37 (hg19) VCF-style: chr9-6595075-A-C.
Identifiers: ClinVar variation 3388621 (VCV003388621.14).